The following is an entry in ClinVar:

ClinVar aggregate classification (germline): Uncertain significance (1 of 4 stars; one submission).

Allele frequency attached by ClinVar (database versions not stated): gnomAD 0.00001; TOPMed 0.00001.
gnomAD v4.1: 24 of 1,533,572 alleles (0.0016%); highest among the groups gnomAD compares: Admixed American, 0.004%; no homozygotes.

Submission:

Labcorp Genetics (formerly Invitae), Labcorp
Classification: Uncertain significance. Last evaluated: 2021-07-14. Review status: criteria provided, single submitter. Criteria: Invitae Variant Classification Sherloc (09022015). Collection method: clinical testing. Allele origin: germline.
Comment: This sequence change replaces glycine with serine at codon 814 of the SPEG protein (p.Gly814Ser). The glycine residue is highly conserved and there is a small physicochemical difference between glycine and serine. This variant also falls at the last nucleotide of exon 6, which is part of the consensus splice site for this exon. The frequency data for this variant in the population databases is considered unreliable, as metrics indicate insufficient coverage at this position in the ExAC database. This variant has not been reported in the literature in individuals affected with SPEG-related conditions. Algorithms developed to predict the effect of missense changes on protein structure and function are either unavailable or do not agree on the potential impact of this missense change (SIFT: "Deleterious"; PolyPhen-2: "Probably Damaging"; Align-GVGD: "Class C0"). Nucleotide substitutions within the consensus splice site are a relatively common cause of aberrant splicing (PMID: 17576681, 9536098). Algorithms developed to predict the effect of sequence changes on RNA splicing suggest that this variant may disrupt the consensus splice site. In summary, the available evidence is currently insufficient to determine the role of this variant in disease. Therefore, it has been classified as a Variant of Uncertain Significance.

Literature cited by the submitters: PubMed 17576681; PubMed 9536098.

NM_005876.5(SPEG):c.2440G>A (p.Gly814Ser)

Gene: SPEG (striated muscle enriched protein kinase; plus strand). Cytogenetic location: 2q35.
Variant type: single nucleotide variant.
Coding change: c.2440G>A on transcript NM_005876.5 (MANE Select); coding-DNA position 2440, G replaced by A.
Protein change: p.Gly814Ser; replaces glycine 814 with serine.
Molecular consequence: missense variant.
Genome position (GRCh38, 1-based): chr2:219,451,807, G>A. VCF-style: chr2-219451807-G-A. GRCh37 (hg19) VCF-style: chr2-220316529-G-A.
Other names: short protein forms G814S.
Identifiers: ClinVar variation 1486121 (VCV001486121.3), dbSNP rs1446580784, ClinGen allele CA350731718.